The following is an entry in ClinVar:

NM_000214.3(JAG1):c.2870delinsGGAGTCAC (p.Asn957fs)

Gene: JAG1 (jagged canonical Notch ligand 1; minus strand). Cytogenetic location: 20p12.2.
Variant type: Indel.
Coding change: c.2870delinsGGAGTCAC on transcript NM_000214.3 (MANE Select); coding-DNA position 2870, A replaced by GGAGTCAC.
Protein change: p.Asn957fs; shifts the reading frame from asparagine 957.
Molecular consequence: frameshift variant.
Genome position (GRCh38, 1-based): chr20:10,641,506, T replaced by GTGACTCC on the plus strand (A replaced by GGAGTCAC on the coding strand, the reverse complement: JAG1 is on the minus strand). VCF-style: chr20-10641506-T-GTGACTCC. GRCh37 (hg19) VCF-style: chr20-10622154-T-GTGACTCC.
Other names: short protein forms N957fs.
Identifiers: ClinVar variation 4993659 (VCV004993659.1).

ClinVar aggregate classification (germline): Likely pathogenic (1 of 4 stars; one submission).

Conditions:
JAG1-related disorder. Also called: JAG1-related condition; JAG1-related disorders.

Submission:

PreventionGenetics, part of Exact Sciences
Classification: Likely pathogenic for JAG1-related condition. Last evaluated: 2026-05-08. Review status: criteria provided, single submitter. Criteria: ACMG Guidelines, 2015. Collection method: clinical testing. Allele origin: germline.
Comment: The JAG1 c.2870delinsGGAGTCAC variant is predicted to result in a frameshift and premature protein termination (p.Asn957Argfs*12). To our knowledge, this variant has not been reported in the literature or in a large population database (gnomAD), indicating this variant is rare. Frameshift variants in JAG1 are expected to be pathogenic. This variant is interpreted as likely pathogenic.